The following is an entry in ClinVar:

ClinVar aggregate classification (germline): Uncertain significance (0 of 4 stars; one submission).

Conditions:
Fanconi anemia complementation group A (FANCA). Also called: Fanconi anemia, group A; FANCA-Related Fanconi Anemia. Identifiers: Orphanet 84, MedGen C3469521, MONDO:0009215, OMIM 227650.

Submission:

Leiden Open Variation Database
Classification: Uncertain significance for Fanconi anemia complementation group A. Last evaluated: 2020-02-28. Review status: no assertion criteria provided. Collection method: curation. Allele origin: germline. Affected: yes.
Comment: Curator: Arleen D. Auerbach. Submitter to LOVD: Arleen D. Auerbach.

NC_000016.10:g.(89771815_89773270)_(89778851_89778942)del

Gene: FANCA (FA complementation group A; minus strand). Cytogenetic location: 16q24.3.
Variant type: Deletion.
Identifiers: ClinVar variation 974124 (VCV000974124.1).